The following is an entry in ClinVar:

ClinVar aggregate classification (germline): Uncertain significance (1 of 4 stars; one submission).

Conditions:
Congenital myasthenic syndrome 4A. Also called: Myasthenic syndrome, congenital, 4a, slow-channel; MYASTHENIC SYNDROME, CONGENITAL, 4A, SLOW-CHANNEL, AUTOSOMAL RECESSIVE; CONGENITAL MYASTHENIC SYNDROME TYPE Ia1. Identifiers: Orphanet 590, MedGen C4225413, MONDO:0011600, OMIM 605809.

Allele frequency attached by ClinVar (database versions not stated): ExAC 0.00001.

Submission:

Labcorp Genetics (formerly Invitae), Labcorp
Classification: Uncertain significance for Congenital myasthenic syndrome 4A. Last evaluated: 2022-06-10. Review status: criteria provided, single submitter. Criteria: Invitae Variant Classification Sherloc (09022015). Collection method: clinical testing. Allele origin: germline.
Comment: This sequence change replaces glutamic acid, which is acidic and polar, with lysine, which is basic and polar, at codon 113 of the CHRNE protein (p.Glu113Lys). This variant is present in population databases (rs748799485, gnomAD 0.0009%). This variant has not been reported in the literature in individuals affected with CHRNE-related conditions. Advanced modeling of protein sequence and biophysical properties (such as structural, functional, and spatial information, amino acid conservation, physicochemical variation, residue mobility, and thermodynamic stability) performed at Invitae indicates that this missense variant is not expected to disrupt CHRNE protein function. In summary, the available evidence is currently insufficient to determine the role of this variant in disease. Therefore, it has been classified as a Variant of Uncertain Significance.

NM_000080.4(CHRNE):c.337G>A (p.Glu113Lys)

Genes: C17orf107 (chromosome 17 open reading frame 107; plus strand), CHRNE (cholinergic receptor nicotinic epsilon subunit; minus strand). Cytogenetic location: 17p13.2.
Variant type: single nucleotide variant.
Coding change: c.337G>A on transcript NM_000080.4 (MANE Select); coding-DNA position 337, G replaced by A.
Protein change: p.Glu113Lys; replaces glutamic acid 113 with lysine.
Molecular consequence: missense variant. On other transcripts: 3 prime UTR variant (1).
Genome position (GRCh38, 1-based): chr17:4,902,224, C>T on the plus strand (G>A on the coding strand, the complement: CHRNE is on the minus strand). VCF-style: chr17-4902224-C-T. GRCh37 (hg19) VCF-style: chr17-4805519-C-T.
Other names: c.*1691C>T (NM_001145536.2); short protein forms E113K.
Identifiers: ClinVar variation 2141553 (VCV002141553.4), dbSNP rs748799485, ClinGen allele CA8314517.